The following is an entry in ClinVar:

ClinVar aggregate classification (germline): Uncertain significance (1 of 4 stars; one submission).

Conditions:
Hereditary cancer-predisposing syndrome. Also called: Neoplastic Syndromes, Hereditary; Tumor predisposition; Hereditary Cancer Syndrome; Hereditary neoplastic syndrome. Identifiers: Orphanet 140162, MedGen C0027672, MeSH D009386, MONDO:0015356.

Submission:

Ambry Genetics
Classification: Uncertain significance for Hereditary cancer-predisposing syndrome. Last evaluated: 2025-06-25. Review status: criteria provided, single submitter. Criteria: Ambry Variant Classification Scheme 2023. Collection method: clinical testing. Allele origin: germline.
Comment: The p.K880N variant (also known as c.2640G>T) is located in coding exon 23 of the TSC2 gene. The lysine at codon 880 is replaced by asparagine, an amino acid with similar properties. This change occurs in the first base pair of coding exon 23. This amino acid position is highly conserved in available vertebrate species. In addition, the in silico prediction for this alteration is inconclusive. Based on the available evidence, the clinical significance of this variant remains unclear.

NM_000548.5(TSC2):c.2640G>T (p.Lys880Asn)

Gene: TSC2 (TSC complex subunit 2; plus strand). Cytogenetic location: 16p13.3.
Variant type: single nucleotide variant.
Coding change: c.2640G>T on transcript NM_000548.5 (MANE Select); coding-DNA position 2640, G replaced by T.
Protein change: p.Lys880Asn; replaces lysine 880 with asparagine.
Molecular consequence: missense variant. On other transcripts: non-coding transcript variant (5).
Genome position (GRCh38, 1-based): chr16:2,076,068, G>T. VCF-style: chr16-2076068-G-T. GRCh37 (hg19) VCF-style: chr16-2126069-G-T.
Other names: c.2640G>T, p.Lys880Asn (NM_001077183.3, NM_001114382.3, NM_001363528.2 and 6 more transcripts); c.2529G>T, p.Lys843Asn (NM_001318827.2, NM_001406670.1, NM_001406678.1); c.2493G>T, p.Lys831Asn (NM_001318829.2, NM_001406675.1, NM_001406676.1 and 1 more transcripts); c.2040G>T, p.Lys680Asn (NM_001318831.2, NM_001406683.1, NM_001406684.1 and 6 more transcripts); c.2673G>T, p.Lys891Asn (NM_001318832.2); c.2730G>T, p.Lys910Asn (NM_001406667.1, NM_001406668.1); c.1296G>T, p.Lys432Asn (NM_001406689.1, NM_001406690.1, NM_001406691.1 and 6 more transcripts); c.2628G>T, p.Lys876Asn (NM_001406671.1, NM_001406673.1); and 3 more; short protein forms K891N, K910N, K726N, K831N, K843N, K861N, K880N, K346N.
Identifiers: ClinVar variation 4192123 (VCV004192123.1).